The following is an entry in ClinVar:

ClinVar aggregate classification (germline): Uncertain significance (1 of 4 stars; one submission).

Submission:

GeneDx
Classification: Uncertain significance. Last evaluated: 2026-04-17. Review status: criteria provided, single submitter. Criteria: GeneDx Variant Classification Process June 2021. Collection method: clinical testing. Allele origin: germline.
Comment: Not observed at significant frequency in large population cohorts (gnomAD); In silico analysis supports that this missense variant has a deleterious effect on protein structure/function; Has not been previously published as pathogenic or benign to our knowledge

NM_014991.6(WDFY3):c.8203G>A (p.Asp2735Asn)

Gene: WDFY3 (WD repeat and FYVE domain containing 3; minus strand). Cytogenetic location: 4q21.23.
Variant type: single nucleotide variant.
Coding change: c.8203G>A on transcript NM_014991.6 (MANE Select); coding-DNA position 8203, G replaced by A.
Protein change: p.Asp2735Asn; replaces aspartic acid 2735 with asparagine.
Molecular consequence: missense variant.
Genome position (GRCh38, 1-based): chr4:84,708,923, C>T on the plus strand (G>A on the coding strand, the complement: WDFY3 is on the minus strand). VCF-style: chr4-84708923-C-T. GRCh37 (hg19) VCF-style: chr4-85630076-C-T.
Other names: short protein forms D2735N.
Identifiers: ClinVar variation 5037361 (VCV005037361.1).
Genomic context (GRCh38, chr4:84,708,923, plus strand): 5'-ATTTTTGAAAATGTGTTCTACGTAAGCAAAATGACTTAAGATTTACCTCTGAGTCATAAT[C>T]TGCAAGGATCCAGGGGAAGACAGGATACTGCATGAGATCATTATATGATCTGCCAGCCAA-3'
Protein context (NP_055806.2, residues 2725-2745): QYPVFPWILA[Asp2735Asn]YDSEEVDLTN